The following is an entry in ClinVar:

ClinVar aggregate classification (germline): Pathogenic. Review status: criteria provided, multiple submitters, no conflicts (2 of 4 stars). 6 submissions from 6 submitters: Pathogenic (5). 1 of the submissions does not count toward it. Last evaluated 2025-10-14.

Conditions:
Hereditary cancer-predisposing syndrome. Also called: Neoplastic Syndromes, Hereditary; Hereditary neoplastic syndrome; Tumor predisposition; Hereditary Cancer Syndrome. Identifiers: Orphanet 140162, MedGen C0027672, MeSH D009386, MONDO:0015356.
ATM-related disorder. Also called: ATM-related disorders; ATM-related condition.
Ataxia-telangiectasia syndrome (AT). Also called: Ataxia telangiectasia (A-T); Cerebello-oculocutaneous telangiectasia; Immunodeficiency with ataxia telangiectasia; LOUIS-BAR SYNDROME; AT, COMPLEMENTATION GROUP C; ATAXIA-TELANGIECTASIA, FRESNO VARIANT. Identifiers: Orphanet 100, MedGen C0004135, MONDO:0008840, OMIM 208900.
Familial cancer of breast. Also called: hereditary breast carcinoma; Hereditary breast cancer; BREAST CANCER, FAMILIAL. Identifiers: Orphanet 227535, MedGen C0346153, MONDO:0016419, OMIM 114480. Disease mechanism: loss of function.

Allele frequency attached by ClinVar (database versions not stated): gnomAD exomes below 0.00001.
gnomAD v4.1: 1 of 1,611,256 alleles (0.000062%); highest among the groups gnomAD compares: Non-Finnish European, 0.000085%; no homozygotes.

Submissions (6):

Labcorp Genetics (formerly Invitae), Labcorp
Classification: Pathogenic for Ataxia-telangiectasia syndrome. Last evaluated: 2025-10-14. Review status: criteria provided, single submitter. Criteria: Invitae Variant Classification Sherloc (09022015). Collection method: clinical testing. Allele origin: germline.
Comment: This sequence change creates a premature translational stop signal (p.Gln2028*) in the ATM gene. It is expected to result in an absent or disrupted protein product. Loss-of-function variants in ATM are known to be pathogenic (PMID: 23807571, 25614872). This variant is present in population databases (no rsID available, gnomAD 0.0009%). This premature translational stop signal has been observed in individual(s) with ataxia-telangiectasia (PMID: 12552559, 22213089). ClinVar contains an entry for this variant (Variation ID: 231947). Algorithms developed to predict the effect of sequence changes on RNA splicing suggest that this variant may disrupt the consensus splice site. For these reasons, this variant has been classified as Pathogenic.

Myriad Genetics, Inc.
Classification: Pathogenic for Familial cancer of breast. Last evaluated: 2024-01-29. Review status: criteria provided, single submitter. Criteria: Myriad Autosomal Dominant, Autosomal Recessive and X-Linked Classification Criteria (2023). Collection method: clinical testing. Allele origin: unknown.
Comment: This variant is considered pathogenic. This variant creates a termination codon and is predicted to result in premature protein truncation.

Ambry Genetics
Classification: Pathogenic for Hereditary cancer-predisposing syndrome. Last evaluated: 2024-01-22. Review status: criteria provided, single submitter. Criteria: Ambry Variant Classification Scheme 2023. Collection method: clinical testing. Allele origin: germline.
Comment: The p.Q2028* pathogenic mutation (also known as c.6082C>T), located in coding exon 40 of the ATM gene, results from a C to T substitution at nucleotide position 6082. This changes the amino acid from a glutamine to a stop codon within coding exon 40. This pathogenic mutation has been reported in multiple unrelated individuals diagnosed with ataxia-telangiectasia (Buzin CH et al. Hum. Mutat. 2003 Feb;21(2):123-31; Verhagen MM et al. Hum. Mutat. 2012 Mar;33(3):561-71). In addition to the clinical data presented in the literature, this alteration is expected to result in loss of function by premature protein truncation or nonsense-mediated mRNA decay. As such, this alteration is interpreted as a disease-causing mutation.

Blueprint Genetics
Classification: Pathogenic for ATM-related disorders. Last evaluated: 2021-03-01. Review status: criteria provided, single submitter. Criteria: ACMG Guidelines, 2015. Collection method: clinical testing. Allele origin: germline. Affected: yes. Observed: 1 variant allele.

Color Diagnostics, LLC DBA Color Health
Classification: Pathogenic for Hereditary cancer-predisposing syndrome. Last evaluated: 2020-01-15. Review status: criteria provided, single submitter. Criteria: ACMG Guidelines, 2015. Collection method: clinical testing. Allele origin: germline.
Comment: This variant changes 1 nucleotide in exon 41 of the ATM gene, creating a premature translation stop signal. This variant is expected to result in an absent or non-functional protein product. This variant has been identified in 1/251410 chromosomes in the general population by the Genome Aggregation Database (gnomAD). Loss of ATM function is a known mechanism of disease. Based on the available evidence, this variant is classified as Pathogenic.

Counsyl
Classification: Pathogenic for Ataxia-telangiectasia syndrome. Last evaluated: 2017-03-15. Review status: no assertion criteria provided. Collection method: clinical testing. Allele origin: unknown. Not counted in ClinVar's aggregate classification.

Literature cited by the submitters: PubMed 23807571 (cited by Labcorp Genetics (formerly Invitae), Labcorp); PubMed 25614872 (cited by Labcorp Genetics (formerly Invitae), Labcorp); PubMed 12552559 (cited by 3 submitters); PubMed 22213089 (cited by 3 submitters); PubMed 25525159 (cited by Ambry Genetics and Counsyl).

NM_000051.4(ATM):c.6082C>T (p.Gln2028Ter)

Genes: ATM (ATM serine/threonine kinase; plus strand), C11orf65 (chromosome 11 open reading frame 65; minus strand). Cytogenetic location: 11q22.3.
Variant type: single nucleotide variant.
Coding change: c.6082C>T on transcript NM_000051.4 (MANE Select); coding-DNA position 6082, C replaced by T.
Protein change: p.Gln2028Ter; replaces glutamine 2028 with a stop codon.
Molecular consequence: nonsense. On other transcripts: intron variant (2).
Genome position (GRCh38, 1-based): chr11:108,315,898, C>T. VCF-style: chr11-108315898-C-T. GRCh37 (hg19) VCF-style: chr11-108186625-C-T.
Other names: c.6082C>T, p.Gln2028Ter (NM_001351834.2); c.641-6827G>A (NM_001330368.2); c.*39-6827G>A (NM_001351110.2); short protein forms Q2028*.
Identifiers: ClinVar variation 231947 (VCV000231947.20), dbSNP rs876659454, ClinGen allele CA10579207.
Genomic context (GRCh38, chr11:108,315,898, plus strand): 5'-ATCTACAGAAGTATAGGGGAGCCAGATAGTTTGTATGGCTGTGGTGGAGGGAAGATGTTA[C>T]AACCCATTACTAGGTAAATTGCATTTTTCTAAACAACGGTATAGTAATTCTGTTTATGAA-3'